The following is an entry in ClinVar:

NM_020686.6(ABAT):c.431G>T (p.Arg144Leu)

Gene: ABAT (4-aminobutyrate aminotransferase; plus strand). Cytogenetic location: 16p13.2.
Variant type: single nucleotide variant.
Coding change: c.431G>T on transcript NM_020686.6 (MANE Select); coding-DNA position 431, G replaced by T.
Protein change: p.Arg144Leu; replaces arginine 144 with leucine.
Molecular consequence: missense variant.
Genome position (GRCh38, 1-based): chr16:8,764,133, G>T. VCF-style: chr16-8764133-G-T. GRCh37 (hg19) VCF-style: chr16-8857990-G-T.
Other names: c.431G>T, p.Arg144Leu (NM_000663.5, NM_001127448.2, NM_001386600.1 and 10 more transcripts); c.296G>T, p.Arg99Leu (NM_001386610.1, NM_001386611.1, NM_001386612.1 and 1 more transcripts); c.185G>T, p.Arg62Leu (NM_001386614.1); c.527G>T, p.Arg176Leu (NM_001386615.1); short protein forms R99L, R144L, R176L, R62L.
Identifiers: ClinVar variation 4741214 (VCV004741214.1).

ClinVar aggregate classification (germline): Uncertain significance (1 of 4 stars; one submission).

Conditions:
Gamma-aminobutyric acid transaminase deficiency (GABATD). Also called: GABA aminotransaminase deficiency; GABA transaminase deficiency; Gamma aminobutyrate transaminase deficiency; 4 alpha aminobutyrate transaminase deficiency. Identifiers: Orphanet 2066, MedGen C0342708, MONDO:0013166, OMIM 613163.

Submission:

Labcorp Genetics (formerly Invitae), Labcorp
Classification: Uncertain significance for Gamma-aminobutyric acid transaminase deficiency. Last evaluated: 2025-07-03. Review status: criteria provided, single submitter. Criteria: Invitae Variant Classification Sherloc (09022015). Collection method: clinical testing. Allele origin: germline.
Comment: This sequence change replaces arginine, which is basic and polar, with leucine, which is neutral and non-polar, at codon 144 of the ABAT protein (p.Arg144Leu). This variant is not present in population databases (gnomAD no frequency). This variant has not been reported in the literature in individuals affected with ABAT-related conditions. Invitae Evidence Modeling of protein sequence and biophysical properties (such as structural, functional, and spatial information, amino acid conservation, physicochemical variation, residue mobility, and thermodynamic stability) indicates that this missense variant is not expected to disrupt ABAT protein function with a negative predictive value of 80%. In summary, the available evidence is currently insufficient to determine the role of this variant in disease. Therefore, it has been classified as a Variant of Uncertain Significance.